The following is an entry in ClinVar:

NM_000478.6(ALPL):c.1467C>A (p.Cys489Ter)

Gene: ALPL (alkaline phosphatase, biomineralization associated; plus strand). Cytogenetic location: 1p36.12.
Variant type: single nucleotide variant.
Coding change: c.1467C>A on transcript NM_000478.6 (MANE Select); coding-DNA position 1467, C replaced by A.
Protein change: p.Cys489Ter; replaces cysteine 489 with a stop codon.
Molecular consequence: nonsense.
Genome position (GRCh38, 1-based): chr1:21,577,540, C>A. VCF-style: chr1-21577540-C-A. GRCh37 (hg19) VCF-style: chr1-21904033-C-A.
Other names: c.1302C>A, p.Cys434Ter (NM_001127501.4); c.1236C>A, p.Cys412Ter (NM_001177520.3); c.1467C>A, p.Cys489Ter (NM_001369803.2, NM_001369804.2, NM_001369805.2); short protein forms C412*, C434*, C489*.
Identifiers: ClinVar variation 4974795 (VCV004974795.1).

ClinVar aggregate classification (germline): Pathogenic (1 of 4 stars; one submission).

Conditions:
Hypophosphatasia. Also called: Phosphoethanol-aminuria. Identifiers: Orphanet 436, MedGen C0020630, MeSH D007014, MONDO:0018570.

gnomAD v4.1: 1 of 1,606,392 alleles (0.000062%); highest among the groups gnomAD compares: Non-Finnish European, 0.000085%; no homozygotes.

Submission:

Genomenon, Inc
Classification: Pathogenic for Hypophosphatasia. Last evaluated: 2026-09-01. Review status: criteria provided, single submitter. Criteria: Genomenon Sequence Variant Interpretation Standards - Updated. Collection method: curation. Allele origin: germline. Affected: no.
Comment: ALPL p.Cys489Ter (c.1467C>A) is a nonsense variant that introduces a premature stop codon at amino acid position 489 and is predicted to result in a truncated or absent protein product. To our knowledge, this variant has not been reported in patients affected with an ALPL-related disorder in the published literature. At least one functional study has demonstrated a substantial alteration in protein function relative to the wild-type (PMID:32160374). It is absent or not present at a significant frequency in gnomAD. In conclusion, we classify ALPL p.Cys489Ter (c.1467C>A) as a pathogenic variant.

Literature cited by the submitters: PubMed 32160374.